The following is an entry in ClinVar:

NM_177438.3(DICER1):c.4458A>T (p.Lys1486Asn)

Gene: DICER1 (dicer 1, ribonuclease III; minus strand). Cytogenetic location: 14q32.13.
Variant type: single nucleotide variant.
Coding change: c.4458A>T on transcript NM_177438.3 (MANE Select); coding-DNA position 4458, A replaced by T.
Protein change: p.Lys1486Asn; replaces lysine 1486 with asparagine.
Molecular consequence: missense variant. On other transcripts: non-coding transcript variant (6).
Genome position (GRCh38, 1-based): chr14:95,096,462, T>A on the plus strand (A>T on the coding strand, the complement: DICER1 is on the minus strand). VCF-style: chr14-95096462-T-A. GRCh37 (hg19) VCF-style: chr14-95562799-T-A.
Other names: c.4458A>T, p.Lys1486Asn (NM_001195573.1, NM_001271282.3, NM_001291628.2 and 13 more transcripts); c.4176A>T, p.Lys1392Asn (NM_001395686.1); c.4053A>T, p.Lys1351Asn (NM_001395687.1, NM_001395688.1, NM_001395689.1 and 2 more transcripts); c.3891A>T, p.Lys1297Asn (NM_001395691.1); c.2775A>T, p.Lys925Asn (NM_001395697.1); short protein forms K1351N, K1297N, K1392N, K925N, K1486N.
Identifiers: ClinVar variation 1913751 (VCV001913751.5), dbSNP rs1060504971, ClinGen allele CA390868338.

ClinVar aggregate classification (germline): Uncertain significance (1 of 4 stars; one submission).

Conditions:
DICER1-related tumor predisposition. Also called: DICER1 syndrome; DICER1-related pleuropulmonary blastoma cancer predisposition syndrome. Identifiers: Orphanet 284343, MedGen C3839822, MONDO:0100216.

Submission:

Labcorp Genetics (formerly Invitae), Labcorp
Classification: Uncertain significance for DICER1-related tumor predisposition. Last evaluated: 2024-08-06. Review status: criteria provided, single submitter. Criteria: Invitae Variant Classification Sherloc (09022015). Collection method: clinical testing. Allele origin: germline.
Comment: This sequence change replaces lysine, which is basic and polar, with asparagine, which is neutral and polar, at codon 1486 of the DICER1 protein (p.Lys1486Asn). This variant is not present in population databases (gnomAD no frequency). This variant has not been reported in the literature in individuals affected with DICER1-related conditions. ClinVar contains an entry for this variant (Variation ID: 1913751). An algorithm developed to predict the effect of missense changes on protein structure and function (PolyPhen-2) suggests that this variant is likely to be tolerated. In summary, the available evidence is currently insufficient to determine the role of this variant in disease. Therefore, it has been classified as a Variant of Uncertain Significance.